The following is an entry in ClinVar:

NM_004260.4(RECQL4):c.1010C>T (p.Ala337Val)

Gene: RECQL4 (RecQ like helicase 4; minus strand). Cytogenetic location: 8q24.3.
Variant type: single nucleotide variant.
Coding change: c.1010C>T on transcript NM_004260.4 (MANE Select); coding-DNA position 1010, C replaced by T.
Protein change: p.Ala337Val; replaces alanine 337 with valine.
Molecular consequence: missense variant.
Genome position (GRCh38, 1-based): chr8:144,516,109, G>A on the plus strand (C>T on the coding strand, the complement: RECQL4 is on the minus strand). VCF-style: chr8-144516109-G-A. GRCh37 (hg19) VCF-style: chr8-145741493-G-A.
Other names: short protein forms A337V.
Identifiers: ClinVar variation 850929 (VCV000850929.8), dbSNP rs1434732916, ClinGen allele CA372688331.

ClinVar aggregate classification (germline): Uncertain significance. Review status: criteria provided, multiple submitters, no conflicts (2 of 4 stars). 2 submissions from 2 submitters: Uncertain significance (2). Last evaluated 2025-05-19.

Conditions:
Inborn genetic diseases. Identifiers: MedGen C0950123, MeSH D030342.
Baller-Gerold syndrome (BGS). Also called: CRANIOSYNOSTOSIS WITH RADIAL DEFECTS. Identifiers: Orphanet 1225, MedGen C0265308, MONDO:0009039, OMIM 218600.

gnomAD v4.1: 5 of 1,612,930 alleles (0.00031%); highest among the groups gnomAD compares: East Asian, 0.0067%; no homozygotes.

Submissions (2):

Ambry Genetics
Classification: Uncertain significance for Inborn genetic diseases. Last evaluated: 2025-05-19. Review status: criteria provided, single submitter. Criteria: Ambry Variant Classification Scheme 2023. Collection method: clinical testing. Allele origin: germline.

Labcorp Genetics (formerly Invitae), Labcorp
Classification: Uncertain significance for Baller-Gerold syndrome. Last evaluated: 2023-08-04. Review status: criteria provided, single submitter. Criteria: Invitae Variant Classification Sherloc (09022015). Collection method: clinical testing. Allele origin: germline.
Comment: This variant has not been reported in the literature in individuals affected with RECQL4-related conditions. This sequence change replaces alanine, which is neutral and non-polar, with valine, which is neutral and non-polar, at codon 337 of the RECQL4 protein (p.Ala337Val). This variant is not present in population databases (gnomAD no frequency). ClinVar contains an entry for this variant (Variation ID: 850929). Advanced modeling of protein sequence and biophysical properties (such as structural, functional, and spatial information, amino acid conservation, physicochemical variation, residue mobility, and thermodynamic stability) performed at Invitae indicates that this missense variant is not expected to disrupt RECQL4 protein function. In summary, the available evidence is currently insufficient to determine the role of this variant in disease. Therefore, it has been classified as a Variant of Uncertain Significance.